The following is an entry in ClinVar:

ClinVar aggregate classification (germline): Pathogenic (1 of 4 stars; one submission).

Conditions:
Ehlers-Danlos syndrome, dermatosparaxis type. Also called: EDS VIIC; Dermatosparaxis; Ehlers-Danlos syndrome, type VII, autosomal recessive. Identifiers: Orphanet 1901, MedGen C2700425, MONDO:0009161, OMIM 225410.

Submission:

Myriad Genetics, Inc.
Classification: Pathogenic for Ehlers-Danlos syndrome, dermatosparaxis type. Last evaluated: 2023-10-25. Review status: criteria provided, single submitter. Criteria: Myriad Autosomal Dominant, Autosomal Recessive and X-Linked Classification Criteria (2023). Collection method: clinical testing. Allele origin: unknown.
Comment: NM_014244.4(ADAMTS2):c.2568C>G(Y856*) is expected to be pathogenic in the context of Ehlers-Danlos syndrome, ADAMTS2-related. This variant is predicted to lead to an abnormal or absent protein product due to the creation of a premature termination codon in ADAMTS2, a gene where loss-of-function variants are known to be pathogenic. Please note: this variant was assessed in the context of healthy population screening.

NM_014244.5(ADAMTS2):c.2568C>G (p.Tyr856Ter)

Gene: ADAMTS2 (ADAM metallopeptidase with thrombospondin type 1 motif 2; minus strand). Cytogenetic location: 5q35.3.
Variant type: single nucleotide variant.
Coding change: c.2568C>G on transcript NM_014244.5 (MANE Select); coding-DNA position 2568, C replaced by G.
Protein change: p.Tyr856Ter; replaces tyrosine 856 with a stop codon.
Molecular consequence: nonsense.
Genome position (GRCh38, 1-based): chr5:179,128,008, G>C on the plus strand (C>G on the coding strand, the complement: ADAMTS2 is on the minus strand). VCF-style: chr5-179128008-G-C. GRCh37 (hg19) VCF-style: chr5-178555009-G-C.
Other names: short protein forms Y856*.
Identifiers: ClinVar variation 5012427 (VCV005012427.1).